The following is an entry in ClinVar:

ClinVar aggregate classification (germline): Uncertain significance (1 of 4 stars; one submission).

gnomAD v4.1: 1 of 1,613,638 alleles (0.000062%); highest among the groups gnomAD compares: Non-Finnish European, 0.000085%; no homozygotes.

Submission:

Labcorp Genetics (formerly Invitae), Labcorp
Classification: Uncertain significance. Last evaluated: 2022-06-05. Review status: criteria provided, single submitter. Criteria: Invitae Variant Classification Sherloc (09022015). Collection method: clinical testing. Allele origin: germline.
Comment: This sequence change falls in intron 30 of the WDR62 gene. It does not directly change the encoded amino acid sequence of the WDR62 protein. It affects a nucleotide within the consensus splice site. This variant is not present in population databases (gnomAD no frequency). This variant has not been reported in the literature in individuals affected with WDR62-related conditions. ClinVar contains an entry for this variant (Variation ID: 1360753). Variants that disrupt the consensus splice site are a relatively common cause of aberrant splicing (PMID: 17576681, 9536098). Algorithms developed to predict the effect of sequence changes on RNA splicing suggest that this variant may disrupt the consensus splice site. In summary, the available evidence is currently insufficient to determine the role of this variant in disease. Therefore, it has been classified as a Variant of Uncertain Significance.

Literature cited by the submitters: PubMed 17576681; PubMed 9536098.

NM_001083961.2(WDR62):c.4154-3C>G

Gene: WDR62 (WD repeat domain 62; plus strand). Cytogenetic location: 19q13.12.
Variant type: single nucleotide variant.
Coding change: c.4154-3C>G on transcript NM_001083961.2 (MANE Select); 3 bases into the intron before coding-DNA position 4154, C replaced by G.
Molecular consequence: intron variant.
Genome position (GRCh38, 1-based): chr19:36,104,515, C>G. VCF-style: chr19-36104515-C-G. GRCh37 (hg19) VCF-style: chr19-36595417-C-G.
Other names: c.4139-3C>G (NM_173636.5).
Identifiers: ClinVar variation 1360753 (VCV001360753.6), dbSNP rs774754662, ClinGen allele CA2573156285.